The following is an entry in ClinVar:

NM_004820.5(CYP7B1):c.251T>G (p.Leu84Arg)

Gene: CYP7B1 (cytochrome P450 family 7 subfamily B member 1; minus strand). Cytogenetic location: 8q12.3.
Variant type: single nucleotide variant.
Coding change: c.251T>G on transcript NM_004820.5 (MANE Select); coding-DNA position 251, T replaced by G.
Protein change: p.Leu84Arg; replaces leucine 84 with arginine.
Molecular consequence: missense variant.
Genome position (GRCh38, 1-based): chr8:64,624,411, A>C on the plus strand (T>G on the coding strand, the complement: CYP7B1 is on the minus strand). VCF-style: chr8-64624411-A-C. GRCh37 (hg19) VCF-style: chr8-65536968-A-C.
Other names: c.251T>G, p.Leu84Arg (NM_001324112.2); short protein forms L84R.
Identifiers: ClinVar variation 1360718 (VCV001360718.6), dbSNP rs952824008, ClinGen allele CA178391930.
Genomic context (GRCh38, chr8:64,624,411, plus strand): 5'-AACAAGTGAAAAATGATGACATATATAAGGTATTAATAGAAGTGCTTCTTACCACCAAGA[A>C]GAACTGTGAAAGTGTCACCATGTTGCTTTTGAAGTGTTTTCATGAACCTTAAGGGGTCTT-3'
Protein context (NP_004811.1, residues 74-94): QKQHGDTFTV[Leu84Arg]LGGKYITFIL

ClinVar aggregate classification (germline): Uncertain significance (1 of 4 stars; one submission).

Conditions:
Spastic paraplegia. Identifiers: MedGen C0037772, HP:0001258.

Allele frequency attached by ClinVar (database versions not stated): TOPMed below 0.00001.

Submission:

Labcorp Genetics (formerly Invitae), Labcorp
Classification: Uncertain significance for Spastic paraplegia. Last evaluated: 2025-01-06. Review status: criteria provided, single submitter. Criteria: Invitae Variant Classification Sherloc (09022015). Collection method: clinical testing. Allele origin: germline.
Comment: This sequence change replaces leucine, which is neutral and non-polar, with arginine, which is basic and polar, at codon 84 of the CYP7B1 protein (p.Leu84Arg). This variant is not present in population databases (gnomAD no frequency). This variant has not been reported in the literature in individuals affected with CYP7B1-related conditions. ClinVar contains an entry for this variant (Variation ID: 1360718). Invitae Evidence Modeling of protein sequence and biophysical properties (such as structural, functional, and spatial information, amino acid conservation, physicochemical variation, residue mobility, and thermodynamic stability) has been performed for this missense variant. However, the output from this modeling did not meet the statistical confidence thresholds required to predict the impact of this variant on CYP7B1 protein function. In summary, the available evidence is currently insufficient to determine the role of this variant in disease. Therefore, it has been classified as a Variant of Uncertain Significance.